The following is an entry in ClinVar:

NM_030930.4(UNC93B1):c.1647G>T (p.Glu549Asp)

Gene: UNC93B1 (unc-93B1 regulator of TLR signaling; minus strand). Cytogenetic location: 11q13.2.
Variant type: single nucleotide variant.
Coding change: c.1647G>T on transcript NM_030930.4 (MANE Select); coding-DNA position 1647, G replaced by T.
Protein change: p.Glu549Asp; replaces glutamic acid 549 with aspartic acid.
Molecular consequence: missense variant.
Genome position (GRCh38, 1-based): chr11:67,991,693, C>A on the plus strand (G>T on the coding strand, the complement: UNC93B1 is on the minus strand). VCF-style: chr11-67991693-C-A. GRCh37 (hg19) VCF-style: chr11-67759164-C-A.
Other names: short protein forms E549D.
Identifiers: ClinVar variation 844361 (VCV000844361.8), dbSNP rs1372132126, ClinGen allele CA381567179.

ClinVar aggregate classification (germline): Uncertain significance (1 of 4 stars; one submission).

Conditions:
Encephalopathy, acute, infection-induced (herpes-specific), susceptibility to, 1. Also called: Herpes simplex encephalitis, susceptibility to, 1. Identifiers: Orphanet 1930, MedGen C2750180, MONDO:0024563, OMIM 610551.

gnomAD v4.1: 1 of 1,532,628 alleles (0.000065%); highest among the groups gnomAD compares: Non-Finnish European, 0.000087%; no homozygotes.

Submission:

Labcorp Genetics (formerly Invitae), Labcorp
Classification: Uncertain significance for Encephalopathy, acute, infection-induced (herpes-specific), susceptibility to, 1. Last evaluated: 2019-05-31. Review status: criteria provided, single submitter. Criteria: Invitae Variant Classification Sherloc (09022015). Collection method: clinical testing. Allele origin: germline.
Comment: Algorithms developed to predict the effect of missense changes on protein structure and function (SIFT, PolyPhen-2, Align-GVGD) all suggest that this variant is likely to be tolerated, but these predictions have not been confirmed by published functional studies and their clinical significance is uncertain. In summary, the available evidence is currently insufficient to determine the role of this variant in disease. Therefore, it has been classified as a Variant of Uncertain Significance. This variant has not been reported in the literature in individuals with UNC93B1-related conditions. This sequence change replaces glutamic acid with aspartic acid at codon 549 of the UNC93B1 protein (p.Glu549Asp). The glutamic acid residue is moderately conserved and there is a small physicochemical difference between glutamic acid and aspartic acid. The frequency data for this variant in the population databases is considered unreliable, as metrics indicate insufficient coverage at this position in the ExAC database.